The following is an entry in ClinVar:

ClinVar aggregate classification (germline): Uncertain significance (1 of 4 stars; one submission).

Allele frequency attached by ClinVar (database versions not stated): gnomAD 0.00001; TOPMed 0.00001; ExAC 0.00006.
gnomAD v4.1: 29 of 1,613,050 alleles (0.0018%); highest among the groups gnomAD compares: East Asian, 0.065%; no homozygotes.

Submission:

Labcorp Genetics (formerly Invitae), Labcorp
Classification: Uncertain significance. Last evaluated: 2022-01-01. Review status: criteria provided, single submitter. Criteria: Invitae Variant Classification Sherloc (09022015). Collection method: clinical testing. Allele origin: germline.
Comment: In summary, the available evidence is currently insufficient to determine the role of this variant in disease. Therefore, it has been classified as a Variant of Uncertain Significance. Variants that disrupt the consensus splice site are a relatively common cause of aberrant splicing (PMID: 17576681, 9536098). Algorithms developed to predict the effect of sequence changes on RNA splicing suggest that this variant is not likely to affect RNA splicing. This variant has not been reported in the literature in individuals affected with XPR1-related conditions. This variant is present in population databases (rs760610048, gnomAD 0.05%). This sequence change falls in intron 11 of the XPR1 gene. It does not directly change the encoded amino acid sequence of the XPR1 protein. It affects a nucleotide within the consensus splice site.

Literature cited by the submitters: PubMed 17576681; PubMed 9536098.

NM_004736.4(XPR1):c.1501+6C>T

Gene: XPR1 (xenotropic and polytropic retrovirus receptor 1; plus strand). Cytogenetic location: 1q25.3.
Variant type: single nucleotide variant.
Coding change: c.1501+6C>T on transcript NM_004736.4 (MANE Select); 6 bases into the intron after coding-DNA position 1501, C replaced by T.
Molecular consequence: intron variant. On other transcripts: synonymous variant (1).
Genome position (GRCh38, 1-based): chr1:180,836,722, C>T. VCF-style: chr1-180836722-C-T. GRCh37 (hg19) VCF-style: chr1-180805858-C-T.
Other names: c.1507C>T, p.Leu503= (NM_001328662.2); c.1306+1677C>T (NM_001135669.2).
Identifiers: ClinVar variation 1936816 (VCV001936816.5), dbSNP rs760610048, ClinGen allele CA1272769.
Genomic context (GRCh38, chr1:180,836,722, plus strand): 5'-TACTCCACAACTTTCTTCATGGTGACGTTTGCAGCCCTTTACAGCACTCACAAAGGTATT[C>T]TGTGATTGACTCTGAAGAGATTTTTTTAAACCTGGATTTTTACTACCTGACTCTATTTCT-3'